The following is an entry in ClinVar:

ClinVar aggregate classification (germline): Pathogenic (1 of 4 stars; one submission).

Conditions:
Retinoblastoma (RB1). Also called: RETINOBLASTOMA, SOMATIC. Identifiers: Orphanet 790, MedGen C0035335, MeSH D012175, MONDO:0008380, OMIM 180200, HP:0009919. Disease mechanism: loss of function. Inheritance: Both sporadic and heritable forms are tested..

Submission:

Genetic Diagnostic Laboratory, University of Pennsylvania School of Medicine
Classification: Pathogenic for Retinoblastoma. Last evaluated: 2024-05-20. Review status: criteria provided, single submitter. Criteria: ACMG Guidelines, 2015. Collection method: clinical testing. Allele origin: germline. Affected: yes. Observed: 1 variant allele.
Comment: Case and Pedigree Information: BILATERAL CASES:1, UNILATERAL CASES:0, TOTAL CASES:1, PEDIGREES:1. ACMG Codes Applied:PVS1, PM2

NM_000321.3(RB1):c.1640_1643dup (p.Lys548fs)

Gene: RB1 (RB transcriptional corepressor 1; plus strand). Cytogenetic location: 13q14.2.
Variant type: Duplication.
Coding change: c.1640_1643dup on transcript NM_000321.3 (MANE Select); coding-DNA positions 1640 to 1643, 4 bases duplicated (TAAA; older notation c.1640_1643dupTAAA).
Protein change: p.Lys548fs; shifts the reading frame from lysine 548.
Molecular consequence: frameshift variant.
Genome position (GRCh38, 1-based): chr13:48,381,388-48,381,391, TAAA duplicated; duplicating any 4 consecutive bases within chr13:48,381,387-48,381,391 gives the same sequence; the c. name uses the placement nearest the transcript's 3' end. VCF-style (leftmost placement, unchanged base first): chr13-48381386-G-GATAA. GRCh37 (hg19) VCF-style: chr13-48955522-G-GATAA.
Other names: c.1640_1643dup, p.Lys548fs (NM_001407165.1, NM_001407166.1); short protein forms K548fs.
Identifiers: ClinVar variation 3237014 (VCV003237014.1), dbSNP rs2542206952.